The following is an entry in ClinVar:

NM_000277.3(PAH):c.847A>G (p.Ile283Val)

Genes: PAH (phenylalanine hydroxylase; minus strand), LOC126861615 (CDK7 strongly-dependent group 2 enhancer GRCh37_chr12:103244689-103245888; plus strand). Cytogenetic location: 12q23.2.
Variant type: single nucleotide variant.
Coding change: c.847A>G on transcript NM_000277.3 (MANE Select); coding-DNA position 847, A replaced by G.
Protein change: p.Ile283Val; replaces isoleucine 283 with valine.
Molecular consequence: missense variant.
Genome position (GRCh38, 1-based): chr12:102,851,752, T>C on the plus strand (A>G on the coding strand, the complement: PAH is on the minus strand). VCF-style: chr12-102851752-T-C. GRCh37 (hg19) VCF-style: chr12-103245530-T-C.
Other names: c.847A>G, p.Ile283Val (NM_001354304.2); short protein forms I283V.
Identifiers: ClinVar variation 1065381 (VCV001065381.2), dbSNP rs62517168, ClinGen allele CA16020876.

ClinVar aggregate classification (germline): Likely pathogenic. Review status: reviewed by expert panel (3 of 4 stars). 2 submissions from 2 submitters: Likely pathogenic (1). 1 of the submissions does not count toward it. Last evaluated 2018-12-10.

Conditions:
Phenylketonuria (PKU). Also called: Phenylketonurias; Phenylketonuria (PKU); OLIGOPHRENIA PHENYLPYRUVICA; FOLLING DISEASE. Identifiers: Orphanet 716, MedGen C0031485, MONDO:0009861, OMIM 261600. Disease mechanism: loss of function.

Submissions (2):

ClinGen PAH Variant Curation Expert Panel
Classification: Likely pathogenic for Phenylketonuria. Last evaluated: 2018-12-10. Review status: reviewed by expert panel. Criteria: ClinGen PAH ACMG Specifications v1. Collection method: curation. Allele origin: germline. Inheritance: Autosomal recessive inheritance.
Comment: The c.847A>G (p.Ile283Val) variant in PAH is absent from all population databases, and is at the same amino acid as a previously established pathogenic variant (c.847A>T (p.Ile283Phe)). It has been identified in a patient with classic PKU (BH4 defect excluded), and in trans with a known pathogenic variant (c.1045T>C, p.Ser349Pro) PMID: 27121329. Summary evidence using PAH specific ACMG/AMP guidelines :PM2, PM5, PM3, PP4_Moderate.

Women's Health and Genetics/Laboratory Corporation of America, LabCorp
Classification: Likely pathogenic for Phenylketonuria. Last evaluated: 2025-10-07. Review status: criteria provided, single submitter. Criteria: LabCorp Variant Classification Summary - May 2015. Collection method: clinical testing. Allele origin: germline. Not counted in ClinVar's aggregate classification.
Comment: Variant summary: PAH c.847A>G (p.Ile283Val) results in a conservative amino acid change in the encoded protein sequence. Algorithms developed to predict the effect of missense changes on protein structure and function are either unavailable or do not agree on the potential impact of this missense change. The variant was absent in 250930 control chromosomes. c.847A>G has been observed in the presumed compound heterozygous state in at least 1 individual(s) affected with Phenylalanine Hydroxylase Deficiency (Phenylketonuria) (example, Aldamiz-Echevarria_2016). At least 2 different variants affecting the same codon have been classified as likely pathogenic/pathogenic by our lab (c.847A>T, p.Ile283Phe and c.848T>A, p.Ile283Asn), supporting the critical relevance of codon 283 to PAH protein function (PMID: 9521426, 32668217, internal data). To our knowledge, no experimental evidence demonstrating an impact on protein function has been reported. The following publications have been ascertained in the context of this evaluation (PMID: 38905920, 27121329). ClinVar contains an entry for this variant (Variation ID: 1065381). Based on the evidence outlined above, the variant was classified as likely pathogenic.

Literature cited by the submitters: PubMed 27121329 (cited by ClinGen PAH Variant Curation Expert Panel and Women's Health and Genetics/Laboratory Corporation of America, LabCorp); PubMed 38905920 (cited by Women's Health and Genetics/Laboratory Corporation of America, LabCorp).